The following is an entry in ClinVar:

NM_001377304.1(GFI1B):c.59T>A (p.Val20Glu)

Gene: GFI1B (growth factor independent 1B transcriptional repressor; plus strand). Cytogenetic location: 9q34.13.
Variant type: single nucleotide variant.
Coding change: c.59T>A on transcript NM_001377304.1 (MANE Select); coding-DNA position 59, T replaced by A.
Protein change: p.Val20Glu; replaces valine 20 with glutamic acid.
Molecular consequence: missense variant.
Genome position (GRCh38, 1-based): chr9:132,986,737, T>A. VCF-style: chr9-132986737-T-A. GRCh37 (hg19) VCF-style: chr9-135862124-T-A.
Other names: c.59T>A, p.Val20Glu (NM_001135031.2, NM_001371908.1, NM_001377305.1 and 1 more transcripts); short protein forms V20E.
Identifiers: ClinVar variation 1307062 (VCV001307062.2), dbSNP rs2132640958, ClinGen allele CA375377612.

ClinVar aggregate classification (germline): Uncertain significance (1 of 4 stars; one submission).

Submission:

GeneDx
Classification: Uncertain significance. Last evaluated: 2019-07-20. Review status: criteria provided, single submitter. Criteria: GeneDx Variant Classification Process June 2021. Collection method: clinical testing. Allele origin: germline. Affected: yes.
Comment: Not observed in large population cohorts (Lek et al., 2016); In silico analysis, which includes protein predictors and evolutionary conservation, supports that this variant does not alter protein structure/function; In silico analysis, which includes splice predictors, suggests this variant may impact gene splicing. In the absence of RNA/functional studies, the actual effect of this sequence change is unknown.; Has not been previously published as pathogenic or benign to our knowledge